The following is an entry in ClinVar:

NM_002465.4(MYBPC1):c.1237A>G (p.Arg413Gly)

Genes: MYBPC1 (myosin binding protein C1; plus strand), LOC105369937 (uncharacterized LOC105369937; minus strand). Cytogenetic location: 12q23.2.
Variant type: single nucleotide variant.
Coding change: c.1237A>G on transcript NM_002465.4 (MANE Select); coding-DNA position 1237, A replaced by G.
Protein change: p.Arg413Gly; replaces arginine 413 with glycine.
Molecular consequence: missense variant.
Genome position (GRCh38, 1-based): chr12:101,649,300, A>G. VCF-style: chr12-101649300-A-G. GRCh37 (hg19) VCF-style: chr12-102043078-A-G.
Other names: c.1237A>G (NM_002465.2); c.1162A>G, p.Arg388Gly (NM_001254719.3, NM_206820.4, NM_206821.4 and 1 more transcripts); c.1126A>G, p.Arg376Gly (NM_001254720.3); c.1105A>G, p.Arg369Gly (NM_001254721.3, NM_001404676.1, NM_001404678.1); c.1084A>G, p.Arg362Gly (NM_001254722.3, NM_001404680.1); c.1123A>G, p.Arg375Gly (NM_001254723.3); c.1237A>G, p.Arg413Gly (NM_206819.4, NM_001404675.1); c.1027A>G, p.Arg343Gly (NM_001404677.1, NM_001404679.1, NM_001404681.1); short protein forms R388G, R375G, R362G, R369G, R376G, R413G, R343G.
Identifiers: ClinVar variation 882506 (VCV000882506.9), dbSNP rs201921739, ClinGen allele CA6744753.
Genomic context (GRCh38, chr12:101,649,300, plus strand): 5'-AATATTTTATCTTAATTCAGGTTTAAGAATGGTGAAGAGATTATCCCTGGTCCAAAATCA[A>G]GATACCGAATTAGAGTTGAGGGTAAAAAACACATCTTGATCATAGAGGGAGCAACAAAGG-3'
Protein context (NP_002456.2, residues 403-423): GEEIIPGPKS[Arg413Gly]YRIRVEGKKH

ClinVar aggregate classification (germline): Conflicting classifications of pathogenicity. Review status: criteria provided, conflicting classifications (1 of 4 stars). 3 submissions from 3 submitters: Uncertain significance (2); Benign (1). Last evaluated 2025-05-06.

Conditions:
Inborn genetic diseases. Identifiers: MedGen C0950123, MeSH D030342.
Arthrogryposis, distal, type 1B. Identifiers: Orphanet 1146, MedGen C3280526, MONDO:0013698, OMIM 614335.

Allele frequency attached by ClinVar (database versions not stated): ExAC 0.00011; TOPMed 0.00010; gnomAD exomes 0.00022 and 0.00007; gnomAD 0.00013 and 0.00014; ESP Exome Variant Server 0.00008.
gnomAD v4.1: 338 of 1,613,776 alleles (0.021%); highest among the groups gnomAD compares: Non-Finnish European, 0.028%; no homozygotes.

Submissions (3):

Revvity Omics, Revvity
Classification: Uncertain significance. Last evaluated: 2025-05-06. Review status: criteria provided, single submitter. Criteria: ACMG Guidelines, 2015. Collection method: clinical testing. Allele origin: germline.

Ambry Genetics
Classification: Uncertain significance for Inborn genetic diseases. Last evaluated: 2021-08-12. Review status: criteria provided, single submitter. Criteria: Ambry Variant Classification Scheme 2023. Collection method: clinical testing. Allele origin: germline.

Illumina Laboratory Services, Illumina
Classification: Benign for Arthrogryposis, distal, type 1B. Last evaluated: 2018-01-12. Review status: criteria provided, single submitter. Criteria: ICSL Variant Classification Criteria 13 December 2019. Collection method: clinical testing. Allele origin: germline.
Comment: This variant was observed in the ICSL laboratory as part of a predisposition screen in an ostensibly healthy population. It had not been previously curated by ICSL or reported in the Human Gene Mutation Database (HGMD: prior to June 1st, 2018), and was therefore a candidate for classification through an automated scoring system. Utilizing variant allele frequency, disease prevalence and penetrance estimates, and inheritance mode, an automated score was calculated to assess if this variant is too frequent to cause the disease. Based on the score and internal cut-off values, a variant classified as benign is not then subjected to further curation. The score for this variant resulted in a classification of benign for this disease.